The following is an entry in ClinVar:

NM_001136193.2(FASTKD2):c.979A>G (p.Arg327Gly)

Gene: FASTKD2 (FASTK mitochondrial RNA regulator 2; plus strand). Cytogenetic location: 2q33.3.
Variant type: single nucleotide variant.
Coding change: c.979A>G on transcript NM_001136193.2 (MANE Select); coding-DNA position 979, A replaced by G.
Protein change: p.Arg327Gly; replaces arginine 327 with glycine.
Molecular consequence: missense variant.
Genome position (GRCh38, 1-based): chr2:206,771,279, A>G. VCF-style: chr2-206771279-A-G. GRCh37 (hg19) VCF-style: chr2-207636003-A-G.
Other names: c.979A>G (NM_014929.3); c.979A>G, p.Arg327Gly (NM_001136194.2, NM_014929.4); short protein forms R327G.
Identifiers: ClinVar variation 809144 (VCV000809144.49), dbSNP rs759179248, ClinGen allele CA2075010.

ClinVar aggregate classification (germline): Uncertain significance. Review status: criteria provided, multiple submitters, no conflicts (2 of 4 stars). 3 submissions from 3 submitters: Uncertain significance (3). Last evaluated 2024-08-05.

Conditions:
Inborn genetic diseases. Identifiers: MedGen C0950123, MeSH D030342.

Allele frequency attached by ClinVar (database versions not stated): gnomAD 0.00001; gnomAD exomes 0.00001 and 0.00002; TOPMed 0.00001; ExAC 0.00002.

Submissions (3):

Labcorp Genetics (formerly Invitae), Labcorp
Classification: Uncertain significance. Last evaluated: 2024-08-05. Review status: criteria provided, single submitter. Criteria: Invitae Variant Classification Sherloc (09022015). Collection method: clinical testing. Allele origin: germline.
Comment: This sequence change replaces arginine, which is basic and polar, with glycine, which is neutral and non-polar, at codon 327 of the FASTKD2 protein (p.Arg327Gly). This variant is present in population databases (rs759179248, gnomAD 0.002%). This variant has not been reported in the literature in individuals affected with FASTKD2-related conditions. ClinVar contains an entry for this variant (Variation ID: 809144). Advanced modeling of protein sequence and biophysical properties (such as structural, functional, and spatial information, amino acid conservation, physicochemical variation, residue mobility, and thermodynamic stability) performed at Invitae indicates that this missense variant is expected to disrupt FASTKD2 protein function with a positive predictive value of 80%. In summary, the available evidence is currently insufficient to determine the role of this variant in disease. Therefore, it has been classified as a Variant of Uncertain Significance.

Ambry Genetics
Classification: Uncertain significance for Inborn genetic diseases. Last evaluated: 2024-01-03. Review status: criteria provided, single submitter. Criteria: Ambry Variant Classification Scheme 2023. Collection method: clinical testing. Allele origin: germline.

CeGaT Center for Human Genetics Tuebingen
Classification: Uncertain significance. Last evaluated: 2017-12-01. Review status: criteria provided, single submitter. Criteria: CeGaT Center For Human Genetics Tuebingen Variant Classification Criteria Version 2. Collection method: clinical testing. Allele origin: germline. Affected: yes. Observed: 1 variant allele.